The following is an entry in ClinVar:

ClinVar aggregate classification (germline): Likely benign. Review status: criteria provided, multiple submitters, no conflicts (2 of 4 stars). 2 submissions from 2 submitters: Likely benign (2). Last evaluated 2026-06-01.

Allele frequency attached by ClinVar (database versions not stated): gnomAD exomes below 0.00001; gnomAD 0.00001; TOPMed 0.00001; 1000 Genomes Project 30x 0.00016; 1000 Genomes Project 0.00020.
gnomAD v4.1: 2 of 1,574,668 alleles (0.00013%); highest among the groups gnomAD compares: Non-Finnish European, 0.00017%; no homozygotes.

Submissions (2):

CeGaT Center for Human Genetics Tuebingen
Classification: Likely benign. Last evaluated: 2026-06-01. Review status: criteria provided, single submitter. Criteria: CeGaT Center For Human Genetics Tuebingen Variant Classification Criteria Version 2. Collection method: clinical testing. Allele origin: germline. Affected: yes. Observed: 2 variant alleles.
Comment: DMXL2: BP4, BP7

Labcorp Genetics (formerly Invitae), Labcorp
Classification: Likely benign. Last evaluated: 2023-09-22. Review status: criteria provided, single submitter. Criteria: Invitae Variant Classification Sherloc (09022015). Collection method: clinical testing. Allele origin: germline.

NM_001378457.1(DMXL2):c.261C>T (p.Gly87=)

Gene: DMXL2 (Dmx like 2; minus strand). Cytogenetic location: 15q21.2.
Variant type: single nucleotide variant.
Coding change: c.261C>T on transcript NM_001378457.1 (MANE Select); coding-DNA position 261, C replaced by T.
Protein change: p.Gly87=; no amino-acid change (glycine 87 retained).
Molecular consequence: synonymous variant. On other transcripts: non-coding transcript variant (2).
Genome position (GRCh38, 1-based): chr15:51,568,511, G>A on the plus strand (C>T on the coding strand, the complement: DMXL2 is on the minus strand). VCF-style: chr15-51568511-G-A. GRCh37 (hg19) VCF-style: chr15-51860708-G-A.
Other names: c.261C>T, p.Gly87= (NM_001174116.3, NM_001174117.3, NM_001378458.1 and 7 more transcripts).
Identifiers: ClinVar variation 2645347 (VCV002645347.27), dbSNP rs201857100, ClinGen allele CA270812517.
Genomic context (GRCh38, chr15:51,568,511, plus strand): 5'-GATTCTAAAAGTATTCTATTATTGGTTAATACTTACACAATTTCTTTTATGAGAATTTAT[G>A]CCCAAGGGCTCAAATATACAAACAGCATTACCATATGAAGCTGCAATCTAAAAAAGAATA-3'
Protein context (NP_001365386.1, residues 77-97): GNAVCIFEPL[Gly87=]INSHKRNCQL